The following is an entry in ClinVar:

ClinVar aggregate classification (germline): Uncertain significance (1 of 4 stars; one submission).

Allele frequency attached by ClinVar (database versions not stated): gnomAD exomes below 0.00001 and 0.00001.
gnomAD v4.1: 1 of 1,549,782 alleles (0.000065%); highest among the groups gnomAD compares: Admixed American, 0.002%; no homozygotes.

Submission:

Labcorp Genetics (formerly Invitae), Labcorp
Classification: Uncertain significance. Last evaluated: 2022-06-05. Review status: criteria provided, single submitter. Criteria: Invitae Variant Classification Sherloc (09022015). Collection method: clinical testing. Allele origin: germline.
Comment: In summary, the available evidence is currently insufficient to determine the role of this variant in disease. Therefore, it has been classified as a Variant of Uncertain Significance. Algorithms developed to predict the effect of missense changes on protein structure and function are either unavailable or do not agree on the potential impact of this missense change (SIFT: "Deleterious"; PolyPhen-2: "Benign"; Align-GVGD: "Class C0"). ClinVar contains an entry for this variant (Variation ID: 1437754). This variant has not been reported in the literature in individuals affected with ZNF469-related conditions. This variant is present in population databases (no rsID available, gnomAD 0.004%). This sequence change replaces isoleucine, which is neutral and non-polar, with threonine, which is neutral and polar, at codon 3385 of the ZNF469 protein (p.Ile3385Thr).

NM_001367624.2(ZNF469):c.10238T>C (p.Ile3413Thr)

Gene: ZNF469 (zinc finger protein 469; plus strand). Cytogenetic location: 16q24.2.
Variant type: single nucleotide variant.
Coding change: c.10238T>C on transcript NM_001367624.2 (MANE Select); coding-DNA position 10238, T replaced by C.
Protein change: p.Ile3413Thr; replaces isoleucine 3413 with threonine.
Molecular consequence: missense variant.
Genome position (GRCh38, 1-based): chr16:88,437,708, T>C. VCF-style: chr16-88437708-T-C. GRCh37 (hg19) VCF-style: chr16-88504116-T-C.
Other names: short protein forms I3413T.
Identifiers: ClinVar variation 1437754 (VCV001437754.6), dbSNP rs1167180616, ClinGen allele CA397126237.